The following is an entry in ClinVar:

ClinVar aggregate classification (germline): Conflicting classifications of pathogenicity. Review status: criteria provided, conflicting classifications (1 of 4 stars). 2 submissions from 2 submitters: Uncertain significance (1); Likely benign (1). Last evaluated 2025-09-27.

Allele frequency attached by ClinVar (database versions not stated): gnomAD exomes 0.00002 and 0.00004; ExAC 0.00003; gnomAD 0.00003.
gnomAD v4.1: 32 of 1,612,700 alleles (0.002%); highest among the groups gnomAD compares: Admixed American, 0.013%; no homozygotes.

Submissions (2):

Labcorp Genetics (formerly Invitae), Labcorp
Classification: Uncertain significance. Last evaluated: 2025-09-27. Review status: criteria provided, single submitter. Criteria: Invitae Variant Classification Sherloc (09022015). Collection method: clinical testing. Allele origin: germline.
Comment: This sequence change replaces threonine, which is neutral and polar, with methionine, which is neutral and non-polar, at codon 302 of the MYLK3 protein (p.Thr302Met). This variant is present in population databases (rs745833581, gnomAD 0.02%). This variant has not been reported in the literature in individuals affected with MYLK3-related conditions. ClinVar contains an entry for this variant (Variation ID: 1508091). An algorithm developed to predict the effect of missense changes on protein structure and function outputs the following: PolyPhen-2: "Benign". The methionine amino acid residue is found in multiple mammalian species, which suggests that this missense change does not adversely affect protein function. In summary, the available evidence is currently insufficient to determine the role of this variant in disease. Therefore, it has been classified as a Variant of Uncertain Significance.

Ambry Genetics
Classification: Likely benign. Last evaluated: 2025-02-06. Review status: criteria provided, single submitter. Criteria: Ambry Variant Classification Scheme 2023. Collection method: clinical testing. Allele origin: germline.

NM_182493.3(MYLK3):c.905C>T (p.Thr302Met)

Gene: MYLK3 (myosin light chain kinase 3; minus strand). Cytogenetic location: 16q11.2.
Variant type: single nucleotide variant.
Coding change: c.905C>T on transcript NM_182493.3 (MANE Select); coding-DNA position 905, C replaced by T.
Protein change: p.Thr302Met; replaces threonine 302 with methionine.
Molecular consequence: missense variant. On other transcripts: intron variant (1).
Genome position (GRCh38, 1-based): chr16:46,737,807, G>A on the plus strand (C>T on the coding strand, the complement: MYLK3 is on the minus strand). VCF-style: chr16-46737807-G-A. GRCh37 (hg19) VCF-style: chr16-46771719-G-A.
Other names: c.-23+2250C>T (NM_001308301.1); c.905C>T (NM_182493.2); short protein forms T302M.
Identifiers: ClinVar variation 1508091 (VCV001508091.9), dbSNP rs745833581, ClinGen allele CA8038123.